The following is an entry in ClinVar:

NM_003320.5(TUB):c.33G>T (p.Trp11Cys)

Gene: TUB (TUB bipartite transcription factor; plus strand). Cytogenetic location: 11p15.4.
Variant type: single nucleotide variant.
Coding change: c.33G>T on transcript NM_003320.5; coding-DNA position 33, G replaced by T.
Protein change: p.Trp11Cys; replaces tryptophan 11 with cysteine.
Molecular consequence: missense variant. On other transcripts: intron variant (4).
Genome position (GRCh38, 1-based): chr11:8,038,906, G>T. VCF-style: chr11-8038906-G-T. GRCh37 (hg19) VCF-style: chr11-8060453-G-T.
Other names: c.56+19548G>T (NM_001440538.1, NM_001440539.1, NM_001440540.1 and 1 more transcripts); short protein forms W11C.
Identifiers: ClinVar variation 3354201 (VCV003354201.1).

ClinVar aggregate classification (germline): Uncertain significance (0 of 4 stars; one submission).

Conditions:
TUB-related disorder. Also called: TUB-related condition.

gnomAD v4.1: 1 of 1,614,060 alleles (0.000062%); highest among the groups gnomAD compares: Admixed American, 0.0017%; no homozygotes.

Submission:

PreventionGenetics, part of Exact Sciences
Classification: Uncertain significance for TUB-related condition. Last evaluated: 2024-03-05. Review status: no assertion criteria provided. Collection method: clinical testing. Allele origin: germline.
Comment: The TUB c.33G>T variant is predicted to result in the amino acid substitution p.Trp11Cys. To our knowledge, this variant has not been reported in the literature. This variant is reported in 0.0029% of alleles in individuals of Latino descent in gnomAD. At this time, the clinical significance of this variant is uncertain due to the absence of conclusive functional and genetic evidence.